The following is an entry in ClinVar:

NM_018076.5(ODAD2):c.1607G>A (p.Gly536Asp)

Gene: ODAD2 (outer dynein arm docking complex subunit 2; minus strand). Cytogenetic location: 10p12.1.
Variant type: single nucleotide variant.
Coding change: c.1607G>A on transcript NM_018076.5 (MANE Select); coding-DNA position 1607, G replaced by A.
Protein change: p.Gly536Asp; replaces glycine 536 with aspartic acid.
Molecular consequence: missense variant.
Genome position (GRCh38, 1-based): chr10:27,944,358, C>T on the plus strand (G>A on the coding strand, the complement: ODAD2 is on the minus strand). VCF-style: chr10-27944358-C-T. GRCh37 (hg19) VCF-style: chr10-28233287-C-T.
Other names: c.1607G>A, p.Gly536Asp (NM_001290020.2); c.182G>A, p.Gly61Asp (NM_001290021.2); c.683G>A, p.Gly228Asp (NM_001312689.2); short protein forms G228D, G536D, G61D.
Identifiers: ClinVar variation 1063255 (VCV001063255.9), dbSNP rs1393513509, ClinGen allele CA376393135.
Genomic context (GRCh38, chr10:27,944,358, plus strand): 5'-GCTGCCAAACATTTTAGACTCTTGTGTGGAGAATCAAGTATATTCACCATAATTGGTAAG[C>T]CCCCAAGGTCAACAATATTCTGTCTGATTTGAGGATTATGACTGATTTCCTTCAGTATTT-3'
Protein context (NP_060546.2, residues 526-546): QIRQNIVDLG[Gly536Asp]LPIMVNILDS

ClinVar aggregate classification (germline): Uncertain significance (1 of 4 stars; one submission).

Conditions:
Primary ciliary dyskinesia 23 (CILD23). Also called: CILIARY DYSKINESIA, PRIMARY, 23, WITH OR WITHOUT SITUS INVERSUS. Identifiers: Orphanet 244, MedGen C3809548, MONDO:0014193, OMIM 615451.

Allele frequency attached by ClinVar (database versions not stated): gnomAD 0.00001 and 0.00002; gnomAD exomes 0.00001; TOPMed 0.00003.
gnomAD v4.1: 9 of 1,613,760 alleles (0.00056%); highest among the groups gnomAD compares: African/African-American, 0.0067%; no homozygotes.

Submission:

Labcorp Genetics (formerly Invitae), Labcorp
Classification: Uncertain significance for Primary ciliary dyskinesia 23. Last evaluated: 2020-05-21. Review status: criteria provided, single submitter. Criteria: Invitae Variant Classification Sherloc (09022015). Collection method: clinical testing. Allele origin: germline.
Comment: In summary, the available evidence is currently insufficient to determine the role of this variant in disease. Therefore, it has been classified as a Variant of Uncertain Significance. Algorithms developed to predict the effect of missense changes on protein structure and function are either unavailable or do not agree on the potential impact of this missense change (SIFT: "Deleterious"; PolyPhen-2: "Probably Damaging"; Align-GVGD: "Class C0"). This variant has been observed in individual(s) with clinical features of primary ciliary dyskinesia (Invitae). It has also been observed to segregate with disease in related individuals. This variant is not present in population databases (ExAC no frequency). This sequence change replaces glycine with aspartic acid at codon 536 of the ARMC4 protein (p.Gly536Asp). The glycine residue is highly conserved and there is a moderate physicochemical difference between glycine and aspartic acid.